The following is an entry in ClinVar:

NM_001379659.1(ZNF142):c.5153A>G (p.Lys1718Arg)

Gene: ZNF142 (zinc finger protein 142; minus strand). Cytogenetic location: 2q35.
Variant type: single nucleotide variant.
Coding change: c.5153A>G on transcript NM_001379659.1 (MANE Select); coding-DNA position 5153, A replaced by G.
Protein change: p.Lys1718Arg; replaces lysine 1718 with arginine.
Molecular consequence: missense variant.
Genome position (GRCh38, 1-based): chr2:218,640,705, T>C on the plus strand (A>G on the coding strand, the complement: ZNF142 is on the minus strand). VCF-style: chr2-218640705-T-C. GRCh37 (hg19) VCF-style: chr2-219505428-T-C.
Other names: c.4064A>G, p.Lys1355Arg (NM_001366289.3, NM_001366287.3, NM_001366288.3); c.5153A>G, p.Lys1718Arg (NM_001366290.3, NM_001379660.1, NM_001379661.1); c.4553A>G, p.Lys1518Arg (NM_001366291.3, NM_001379662.1, NM_001105537.5); c.4553A>G (NM_001105537.2); short protein forms K1355R, K1718R, K1518R.
Identifiers: ClinVar variation 3985553 (VCV003985553.2).

ClinVar aggregate classification (germline): Uncertain significance. Review status: criteria provided, multiple submitters, no conflicts (2 of 4 stars). 2 submissions from 2 submitters: Uncertain significance (2). Last evaluated 2026-02-04.

Conditions:
Inborn genetic diseases. Identifiers: MedGen C0950123, MeSH D030342.

gnomAD v4.1: 4 of 1,614,208 alleles (0.00025%); highest among the groups gnomAD compares: African/African-American, 0.004%; no homozygotes.

Submissions (2):

GeneDx
Classification: Uncertain significance. Last evaluated: 2026-02-04. Review status: criteria provided, single submitter. Criteria: GeneDx Variant Classification Process June 2021. Collection method: clinical testing. Allele origin: germline.
Comment: In silico analysis suggests that this missense variant does not alter protein structure/function; Has not been previously published as pathogenic or benign to our knowledge; In silico analysis suggests this variant may impact gene splicing. In the absence of RNA/functional studies, the actual effect of this sequence change is unknown.

Ambry Genetics
Classification: Uncertain significance for Inborn genetic diseases. Last evaluated: 2025-03-20. Review status: criteria provided, single submitter. Criteria: Ambry Variant Classification Scheme 2023. Collection method: clinical testing. Allele origin: germline.